The following is an entry in ClinVar:

NM_000540.3(RYR1):c.2010G>C (p.Val670=)

Gene: RYR1 (ryanodine receptor 1; plus strand). Cytogenetic location: 19q13.2.
Variant type: single nucleotide variant.
Coding change: c.2010G>C on transcript NM_000540.3 (MANE Select); coding-DNA position 2010, G replaced by C.
Protein change: p.Val670=; no amino-acid change (valine 670 retained).
Molecular consequence: synonymous variant.
Genome position (GRCh38, 1-based): chr19:38,458,135, G>C. VCF-style: chr19-38458135-G-C. GRCh37 (hg19) VCF-style: chr19-38948775-G-C.
Other names: c.2010G>C, p.Val670= (NM_001042723.2).
Identifiers: ClinVar variation 3071142 (VCV003071142.1), dbSNP rs774654320, ClinGen allele CA507243664.

ClinVar aggregate classification (germline): Likely benign (1 of 4 stars; one submission).

Conditions:
Malignant hyperthermia, susceptibility to, 1 (MHS1). Also called: Anesthesia related hyperthermia; Malignant hyperpyrexia; Fulminating hyperpyrexia; Pharmacogenic myopathy; RYR1-Related Malignant Hyperthermia Susceptibility; Malignant hyperthermia suceptibility 1. Identifiers: Orphanet 423, MedGen C2930980, MONDO:0007783, OMIM 145600.

Submission:

All of Us Research Program, National Institutes of Health
Classification: Likely benign for Malignant hyperthermia, susceptibility to, 1. Last evaluated: 2023-05-16. Review status: criteria provided, single submitter. Criteria: ACMG Guidelines, 2015. Collection method: clinical testing. Allele origin: germline. Inheritance: Autosomal dominant inheritance. Observed: 1 variant allele, 1 heterozygote.
Comment: This study involves interpretation of variants in research participants for the purpose of population health screening. Participant phenotype was not available at the time of variant classification. Additional details can be found in publication PMID: 35346344, PMCID: PMC8962531